The following is an entry in ClinVar:

ClinVar aggregate classification (germline): Uncertain significance. Review status: criteria provided, multiple submitters, no conflicts (2 of 4 stars). 2 submissions from 2 submitters: Uncertain significance (2). Last evaluated 2021-11-07.

Conditions:
Inborn genetic diseases. Identifiers: MedGen C0950123, MeSH D030342.

Allele frequency attached by ClinVar (database versions not stated): gnomAD 0.00003; ExAC 0.00005.

Submissions (2):

Revvity Omics, Revvity
Classification: Uncertain significance. Last evaluated: 2021-11-07. Review status: criteria provided, single submitter. Criteria: ACMG Guidelines, 2015. Collection method: clinical testing. Allele origin: germline.

Ambry Genetics
Classification: Uncertain significance for Inborn genetic diseases. Last evaluated: 2019-11-01. Review status: criteria provided, single submitter. Criteria: Ambry Variant Classification Scheme 2023. Collection method: clinical testing. Allele origin: germline.
Comment: The p.I1931N variant (also known as c.5792T>A), located in coding exon 30 of the SPG11 gene, results from a T to A substitution at nucleotide position 5792. The isoleucine at codon 1931 is replaced by asparagine, an amino acid with dissimilar properties. This amino acid position is not well conserved in available vertebrate species. In addition, the in silico prediction for this alteration is inconclusive. Since supporting evidence is limited at this time, the clinical significance of this alteration remains unclear.

NM_025137.4(SPG11):c.5792T>A (p.Ile1931Asn)

Gene: SPG11 (SPG11 vesicle trafficking associated, spatacsin; minus strand). Cytogenetic location: 15q21.1.
Variant type: single nucleotide variant.
Coding change: c.5792T>A on transcript NM_025137.4 (MANE Select); coding-DNA position 5792, T replaced by A.
Protein change: p.Ile1931Asn; replaces isoleucine 1931 with asparagine.
Molecular consequence: missense variant.
Genome position (GRCh38, 1-based): chr15:44,583,888, A>T on the plus strand (T>A on the coding strand, the complement: SPG11 is on the minus strand). VCF-style: chr15-44583888-A-T. GRCh37 (hg19) VCF-style: chr15-44876086-A-T.
Other names: c.5792T>A, p.Ile1931Asn (NM_001160227.2); c.5648T>A, p.Ile1883Asn (NM_001411132.1); short protein forms I1883N, I1931N.
Identifiers: ClinVar variation 1749673 (VCV001749673.5), dbSNP rs762429227, ClinGen allele CA7534349.